The following is an entry in ClinVar:

NM_001387430.1(SH2B1):c.1876C>T (p.Pro626Ser)

Gene: SH2B1 (SH2B adaptor protein 1; plus strand). Cytogenetic location: 16p11.2.
Variant type: single nucleotide variant.
Coding change: c.1876C>T on transcript NM_001387430.1 (MANE Select); coding-DNA position 1876, C replaced by T.
Protein change: p.Pro626Ser; replaces proline 626 with serine.
Molecular consequence: missense variant.
Genome position (GRCh38, 1-based): chr16:28,872,684, C>T. VCF-style: chr16-28872684-C-T. GRCh37 (hg19) VCF-style: chr16-28884005-C-T.
Other names: c.1876C>T, p.Pro626Ser (NM_001145795.2, NM_001145796.2, NM_001145797.2 and 4 more transcripts); c.868C>T, p.Pro290Ser (NM_001308294.2); short protein forms P290S, P626S.
Identifiers: ClinVar variation 4986530 (VCV004986530.1).
Genomic context (GRCh38, chr16:28,872,684, plus strand): 5'-GTGCACCCCATCCCTTTGGAGTCGGGAGGCTCCAGTGATGTTGTCCTTGTCAGCTATGTC[C>T]CATCCTCCCAGCGACAGCAGGGTGAGCAGAGCAGGTCTGCAGGGGAGGAGGTGCCCGTGC-3'
Protein context (NP_001374359.1, residues 616-636): SSDVVLVSYV[Pro626Ser]SSQRQQEPTT

ClinVar aggregate classification (germline): Uncertain significance (1 of 4 stars; one submission).

Conditions:
SH2B1-related disorder. Also called: SH2B1-related condition.

gnomAD v4.1: 10 of 1,614,160 alleles (0.00062%); highest among the groups gnomAD compares: Non-Finnish European, 0.00085%; no homozygotes.

Submission:

PreventionGenetics, part of Exact Sciences
Classification: Uncertain significance for SH2B1-related condition. Last evaluated: 2025-05-22. Review status: criteria provided, single submitter. Criteria: ACMG Guidelines, 2015. Collection method: clinical testing. Allele origin: germline.
Comment: The SH2B1 c.1876C>T variant is predicted to result in the amino acid substitution p.Pro626Ser. To our knowledge, this variant has not been reported in the literature or in a large population database (gnomAD), indicating this variant is rare. At this time, the clinical significance of this variant is uncertain due to the absence of conclusive functional and genetic evidence.